The following is an entry in ClinVar:

NM_000718.4(CACNA1B):c.2491G>A (p.Gly831Arg)

Gene: CACNA1B (calcium voltage-gated channel subunit alpha1 B; plus strand). Cytogenetic location: 9q34.3.
Variant type: single nucleotide variant.
Coding change: c.2491G>A on transcript NM_000718.4 (MANE Select); coding-DNA position 2491, G replaced by A.
Protein change: p.Gly831Arg; replaces glycine 831 with arginine.
Molecular consequence: missense variant.
Genome position (GRCh38, 1-based): chr9:138,023,234, G>A. VCF-style: chr9-138023234-G-A. GRCh37 (hg19) VCF-style: chr9-140917686-G-A.
Other names: c.2491G>A, p.Gly831Arg (NM_001243812.2); c.2491G>A (NM_000718.3); short protein forms G831R.
Identifiers: ClinVar variation 2184103 (VCV002184103.6), dbSNP rs891641720, ClinGen allele CA201830262.

ClinVar aggregate classification (germline): Uncertain significance. Review status: criteria provided, multiple submitters, no conflicts (2 of 4 stars). 3 submissions from 3 submitters: Uncertain significance (3). Last evaluated 2026-03-01.

Allele frequency attached by ClinVar (database versions not stated): gnomAD exomes 0.00001; TOPMed 0.00002; gnomAD 0.00003.
gnomAD v4.1: 24 of 1,512,904 alleles (0.0016%); highest among the groups gnomAD compares: Middle Eastern, 0.02%; no homozygotes.

Submissions (3):

CeGaT Center for Human Genetics Tuebingen
Classification: Uncertain significance. Last evaluated: 2026-03-01. Review status: criteria provided, single submitter. Criteria: CeGaT Center For Human Genetics Tuebingen Variant Classification Criteria Version 2. Collection method: clinical testing. Allele origin: germline. Affected: yes. Observed: 1 variant allele.
Comment: CACNA1B: PM2, PP3

Ambry Genetics
Classification: Uncertain significance. Last evaluated: 2025-06-04. Review status: criteria provided, single submitter. Criteria: Ambry Variant Classification Scheme 2023. Collection method: clinical testing. Allele origin: germline.

Labcorp Genetics (formerly Invitae), Labcorp
Classification: Uncertain significance. Last evaluated: 2022-06-02. Review status: criteria provided, single submitter. Criteria: Invitae Variant Classification Sherloc (09022015). Collection method: clinical testing. Allele origin: germline.
Comment: This sequence change replaces glycine, which is neutral and non-polar, with arginine, which is basic and polar, at codon 831 of the CACNA1B protein (p.Gly831Arg). The frequency data for this variant in the population databases is considered unreliable, as metrics indicate poor data quality at this position in the gnomAD database. This variant has not been reported in the literature in individuals affected with CACNA1B-related conditions. Advanced modeling of protein sequence and biophysical properties (such as structural, functional, and spatial information, amino acid conservation, physicochemical variation, residue mobility, and thermodynamic stability) performed at Invitae indicates that this missense variant is not expected to disrupt CACNA1B protein function. In summary, the available evidence is currently insufficient to determine the role of this variant in disease. Therefore, it has been classified as a Variant of Uncertain Significance.